The following is an entry in ClinVar:

NM_015346.4(ZFYVE26):c.6418C>T (p.Arg2140Trp)

Gene: ZFYVE26 (zinc finger FYVE-type containing 26; minus strand). Cytogenetic location: 14q24.1.
Variant type: single nucleotide variant.
Coding change: c.6418C>T on transcript NM_015346.4 (MANE Select); coding-DNA position 6418, C replaced by T.
Protein change: p.Arg2140Trp; replaces arginine 2140 with tryptophan.
Molecular consequence: missense variant.
Genome position (GRCh38, 1-based): chr14:67,761,536, G>A on the plus strand (C>T on the coding strand, the complement: ZFYVE26 is on the minus strand). VCF-style: chr14-67761536-G-A. GRCh37 (hg19) VCF-style: chr14-68228253-G-A.
Other names: short protein forms R2140W.
Identifiers: ClinVar variation 2141285 (VCV002141285.1), dbSNP rs745789683, ClinGen allele CA7239225.
Genomic context (GRCh38, chr14:67,761,536, plus strand): 5'-AGTAGGTGTTGTTCATGATTTTCCCTTCAGGAATCACTGCCAGAGAAAGGCTCTGCGTCC[G>A]AAGGGTAGCTTCCAGTTCCCTCAGGGTGGCAAAGTAATCGTCATCTTGCTGACAGCACAG-3'
Protein context (NP_056161.2, residues 2130-2150): ATLRELEATL[Arg2140Trp]TQSLSLAVIP

ClinVar aggregate classification (germline): Uncertain significance (1 of 4 stars; one submission).

Conditions:
Spastic paraplegia. Identifiers: MedGen C0037772, HP:0001258.

Allele frequency attached by ClinVar (database versions not stated): TOPMed below 0.00001; gnomAD 0.00001; ExAC 0.00002.
gnomAD v4.1: 8 of 1,614,064 alleles (0.0005%); highest among the groups gnomAD compares: East Asian, 0.0022%; no homozygotes.

Submission:

Labcorp Genetics (formerly Invitae), Labcorp
Classification: Uncertain significance for Spastic paraplegia. Last evaluated: 2022-05-02. Review status: criteria provided, single submitter. Criteria: Invitae Variant Classification Sherloc (09022015). Collection method: clinical testing. Allele origin: germline.
Comment: This sequence change replaces arginine, which is basic and polar, with tryptophan, which is neutral and slightly polar, at codon 2140 of the ZFYVE26 protein (p.Arg2140Trp). This variant is present in population databases (rs745789683, gnomAD 0.006%). This variant has not been reported in the literature in individuals affected with ZFYVE26-related conditions. Algorithms developed to predict the effect of missense changes on protein structure and function are either unavailable or do not agree on the potential impact of this missense change (SIFT: "Deleterious"; PolyPhen-2: "Probably Damaging"; Align-GVGD: "Class C0"). In summary, the available evidence is currently insufficient to determine the role of this variant in disease. Therefore, it has been classified as a Variant of Uncertain Significance.